The following is an entry in ClinVar:

NM_014000.3(VCL):c.1675G>A (p.Ala559Thr)

Gene: VCL (vinculin; plus strand). Cytogenetic location: 10q22.2.
Variant type: single nucleotide variant.
Coding change: c.1675G>A on transcript NM_014000.3 (MANE Select); coding-DNA position 1675, G replaced by A.
Protein change: p.Ala559Thr; replaces alanine 559 with threonine.
Molecular consequence: missense variant.
Genome position (GRCh38, 1-based): chr10:74,095,787, G>A. VCF-style: chr10-74095787-G-A. GRCh37 (hg19) VCF-style: chr10-75855545-G-A.
Other names: c.1675G>A, p.Ala559Thr (NM_003373.4); short protein forms A559T.
Identifiers: ClinVar variation 3632687 (VCV003632687.2).

ClinVar aggregate classification (germline): Uncertain significance (1 of 4 stars; one submission).

Conditions:
Dilated cardiomyopathy 1W (CMD1W). Identifiers: Orphanet 154, MedGen C1969639, MONDO:0012667, OMIM 611407.

Submission:

Labcorp Genetics (formerly Invitae), Labcorp
Classification: Uncertain significance for Dilated cardiomyopathy 1W. Last evaluated: 2024-03-26. Review status: criteria provided, single submitter. Criteria: Invitae Variant Classification Sherloc (09022015). Collection method: clinical testing. Allele origin: germline.
Comment: This sequence change replaces alanine, which is neutral and non-polar, with threonine, which is neutral and polar, at codon 559 of the VCL protein (p.Ala559Thr). This variant is not present in population databases (gnomAD no frequency). This variant has not been reported in the literature in individuals affected with VCL-related conditions. An algorithm developed to predict the effect of missense changes on protein structure and function (PolyPhen-2) suggests that this variant is likely to be disruptive. In summary, the available evidence is currently insufficient to determine the role of this variant in disease. Therefore, it has been classified as a Variant of Uncertain Significance.